The following is an entry in ClinVar:

ClinVar aggregate classification (germline): Uncertain significance (1 of 4 stars; one submission).

Submission:

GeneDx
Classification: Uncertain significance. Last evaluated: 2023-06-14. Review status: criteria provided, single submitter. Criteria: GeneDx Variant Classification Process June 2021. Collection method: clinical testing. Allele origin: germline. Affected: yes.
Comment: Not observed at significant frequency in large population cohorts (gnomAD); In silico analysis supports that this missense variant has a deleterious effect on protein structure/function; Has not been previously published as pathogenic or benign to our knowledge

NM_021224.6(ZNF462):c.6713A>G (p.His2238Arg)

Gene: ZNF462 (zinc finger protein 462; plus strand). Cytogenetic location: 9q31.2.
Variant type: single nucleotide variant.
Coding change: c.6713A>G on transcript NM_021224.6 (MANE Select); coding-DNA position 6713, A replaced by G.
Protein change: p.His2238Arg; replaces histidine 2238 with arginine.
Molecular consequence: missense variant.
Genome position (GRCh38, 1-based): chr9:106,974,154, A>G. VCF-style: chr9-106974154-A-G. GRCh37 (hg19) VCF-style: chr9-109736435-A-G.
Other names: c.4118A>G, p.His1373Arg (NM_001347997.2); short protein forms H1373R, H2238R.
Identifiers: ClinVar variation 3359923 (VCV003359923.1).